The following is an entry in ClinVar:

NM_002025.4(AFF2):c.1322C>T (p.Thr441Ile)

Gene: AFF2 (ALF transcription elongation factor 2; plus strand). Cytogenetic location: Xq28.
Variant type: single nucleotide variant.
Coding change: c.1322C>T on transcript NM_002025.4 (MANE Select); coding-DNA position 1322, C replaced by T.
Protein change: p.Thr441Ile; replaces threonine 441 with isoleucine.
Molecular consequence: missense variant.
Genome position (GRCh38, 1-based): chrX:148,885,948, C>T. VCF-style: chrX-148885948-C-T. GRCh37 (hg19) VCF-style: chrX-147967478-C-T.
Other names: c.1223C>T, p.Thr408Ile (NM_001169122.2); c.1292C>T, p.Thr431Ile (NM_001169123.2); c.1217C>T, p.Thr406Ile (NM_001169124.2); c.1205C>T, p.Thr402Ile (NM_001169125.2); c.245C>T, p.Thr82Ile (NM_001170628.1); short protein forms T402I, T406I, T408I, T431I, T441I, T82I.
Identifiers: ClinVar variation 4821903 (VCV004821903.4).

ClinVar aggregate classification (germline): Likely benign (1 of 4 stars; one submission).

gnomAD v4.1: 5 of 1,208,117 alleles (0.00041%); highest among the groups gnomAD compares: Non-Finnish European, 0.00056%; no homozygotes.

Submission:

CeGaT Center for Human Genetics Tuebingen
Classification: Likely benign. Last evaluated: 2026-03-01. Review status: criteria provided, single submitter. Criteria: CeGaT Center For Human Genetics Tuebingen Variant Classification Criteria Version 2. Collection method: clinical testing. Allele origin: germline. Affected: yes. Observed: 1 variant allele.
Comment: AFF2: BS2